The following is an entry in ClinVar:

NM_001278293.3(ARL6):c.442T>G (p.Cys148Gly)

Gene: ARL6 (ARF like GTPase 6; plus strand). Cytogenetic location: 3q11.2.
Variant type: single nucleotide variant.
Coding change: c.442T>G on transcript NM_001278293.3 (MANE Select); coding-DNA position 442, T replaced by G.
Protein change: p.Cys148Gly; replaces cysteine 148 with glycine.
Molecular consequence: missense variant. On other transcripts: non-coding transcript variant (7).
Genome position (GRCh38, 1-based): chr3:97,788,082, T>G. VCF-style: chr3-97788082-T-G. GRCh37 (hg19) VCF-style: chr3-97506926-T-G.
Other names: c.442T>G, p.Cys148Gly (NM_001323513.2, NM_001323514.2, NM_032146.5 and 1 more transcripts); short protein forms C148G.
Identifiers: ClinVar variation 798181 (VCV000798181.15), dbSNP rs148745414, ClinGen allele CA2505958.

ClinVar aggregate classification (germline): Conflicting classifications of pathogenicity. Review status: criteria provided, conflicting classifications (1 of 4 stars). 4 submissions from 4 submitters: Uncertain significance (1); Benign (1); Likely benign (1). 1 of the submissions does not count toward it. Last evaluated 2026-01-17.

Conditions:
ARL6-related disorder. Also called: ARL6-related condition.
Bardet-Biedl syndrome 3 (BBS3). Identifiers: Orphanet 110, MedGen C1859564, MONDO:0010832, OMIM 600151.
Retinitis pigmentosa 55 (RP55). Identifiers: Orphanet 791, MedGen C3150808, MONDO:0013312, OMIM 613575.

Allele frequency attached by ClinVar (database versions not stated): gnomAD exomes 0.00006 and 0.00016; ExAC 0.00022; gnomAD 0.00064 and 0.00069; ESP Exome Variant Server 0.00077; TOPMed 0.00085; 1000 Genomes Project 0.00120; 1000 Genomes Project 30x 0.00125.
gnomAD v4.1: 189 of 1,613,350 alleles (0.012%); highest among the groups gnomAD compares: African/African-American, 0.23%; no homozygotes.

Submissions (4):

Labcorp Genetics (formerly Invitae), Labcorp
Classification: Likely benign for Retinitis pigmentosa 55; Bardet-Biedl syndrome 3. Last evaluated: 2026-01-17. Review status: criteria provided, single submitter. Criteria: Invitae Variant Classification Sherloc (09022015). Collection method: clinical testing. Allele origin: germline.

Blueprint Genetics
Classification: Benign. Last evaluated: 2024-07-09. Review status: criteria provided, single submitter. Criteria: ACMG Guidelines, 2015. Collection method: clinical testing. Allele origin: germline.

Revvity Omics, Revvity
Classification: Uncertain significance. Last evaluated: 2022-09-27. Review status: criteria provided, single submitter. Criteria: ACMG Guidelines, 2015. Collection method: clinical testing. Allele origin: germline.

PreventionGenetics, part of Exact Sciences
Classification: Likely benign for ARL6-related condition. Last evaluated: 2020-01-23. Review status: no assertion criteria provided. Collection method: clinical testing. Allele origin: germline. Not counted in ClinVar's aggregate classification.
Comment: This variant is classified as likely benign based on ACMG/AMP sequence variant interpretation guidelines (Richards et al. 2015 PMID: 25741868, with internal and published modifications).